The following is an entry in ClinVar:

ClinVar aggregate classification (germline): Benign/Likely benign. Review status: criteria provided, multiple submitters, no conflicts (2 of 4 stars). 4 submissions from 4 submitters: Benign (2); Likely benign (2). Last evaluated 2026-02-01.

Allele frequency attached by ClinVar (database versions not stated): 1000 Genomes Project 30x 0.00219; 1000 Genomes Project 0.00260; TOPMed 0.00342; ESP Exome Variant Server 0.00461; gnomAD 0.00491 and 0.00501; ExAC 0.00510; gnomAD exomes 0.00512.
gnomAD v4.1: 9,562 of 1,614,190 alleles (0.59%); highest among the groups gnomAD compares: Non-Finnish European, 0.67%; 40 homozygotes.

Submissions (4):

Labcorp Genetics (formerly Invitae), Labcorp
Classification: Benign. Last evaluated: 2026-02-01. Review status: criteria provided, single submitter. Criteria: Invitae Variant Classification Sherloc (09022015). Collection method: clinical testing. Allele origin: germline.

CeGaT Center for Human Genetics Tuebingen
Classification: Likely benign. Last evaluated: 2022-05-01. Review status: criteria provided, single submitter. Criteria: CeGaT Center For Human Genetics Tuebingen Variant Classification Criteria Version 2. Collection method: clinical testing. Allele origin: germline. Affected: yes. Observed: 1 variant allele.
Comment: NPAT: BP4, BP7

Ambry Genetics
Classification: Likely benign. Last evaluated: 2022-02-12. Review status: criteria provided, single submitter. Criteria: Ambry Variant Classification Scheme 2023. Collection method: clinical testing. Allele origin: germline.

Genetic Services Laboratory, University of Chicago
Classification: Benign. Last evaluated: 2019-02-06. Review status: criteria provided, single submitter. Criteria: ACMG Guidelines, 2015. Collection method: clinical testing. Allele origin: germline. Affected: no.

NM_002519.3(NPAT):c.1506T>G (p.Pro502=)

Gene: NPAT (nuclear protein, coactivator of histone transcription; minus strand). Cytogenetic location: 11q22.3.
Variant type: single nucleotide variant.
Coding change: c.1506T>G on transcript NM_002519.3 (MANE Select); coding-DNA position 1506, T replaced by G.
Protein change: p.Pro502=; no amino-acid change (proline 502 retained).
Molecular consequence: synonymous variant.
Genome position (GRCh38, 1-based): chr11:108,173,478, A>C on the plus strand (T>G on the coding strand, the complement: NPAT is on the minus strand). VCF-style: chr11-108173478-A-C. GRCh37 (hg19) VCF-style: chr11-108044205-A-C.
Other names: c.1506T>G, p.Pro502= (NM_001321307.1).
Identifiers: ClinVar variation 1338719 (VCV001338719.34), dbSNP rs61913698, ClinGen allele CA6263977.
Genomic context (GRCh38, chr11:108,173,478, plus strand): 5'-TTCATTGTTAGCTTCACAACCAAGTGAAACAAATGAAGTTATTGGTATATCAGGCTGATC[A>C]GGCTGTAACTGAGATTCACTCGGTACATTTGAAGACAAAGAGTTCTTTTCAATCCCTATA-3'
Protein context (NP_002510.2, residues 492-512): SNVPSESQLQ[Pro502=]DQPDIPITSF